The following is an entry in ClinVar:

ClinVar aggregate classification (germline): Likely benign (1 of 4 stars; one submission).

Allele frequency attached by ClinVar (database versions not stated): 1000 Genomes Project 0.02057; 1000 Genomes Project 30x 0.02124; TOPMed 0.03659; gnomAD 0.03752 and 0.03777.
gnomAD v4.1: 5,697 of 152,002 alleles (3.7%); highest among the groups gnomAD compares: Non-Finnish European, 5.8%; 165 homozygotes.

Submission:

GeneDx
Classification: Likely benign. Last evaluated: 2018-06-14. Review status: criteria provided, single submitter. Criteria: GeneDx Variant Classification (06012015). Collection method: clinical testing. Allele origin: germline. Affected: yes.
Comment: This variant is considered likely benign or benign based on one or more of the following criteria: it is a conservative change, it occurs at a poorly conserved position in the protein, it is predicted to be benign by multiple in silico algorithms, and/or has population frequency not consistent with disease.

NM_001005373.4(LRSAM1):c.620-296C>T

Gene: LRSAM1 (leucine rich repeat and sterile alpha motif containing 1; plus strand). Cytogenetic location: 9q33.3.
Variant type: single nucleotide variant.
Coding change: c.620-296C>T on transcript NM_001005373.4 (MANE Select); 296 bases into the intron before coding-DNA position 620, C replaced by T.
Molecular consequence: intron variant.
Genome position (GRCh38, 1-based): chr9:127,473,505, C>T. VCF-style: chr9-127473505-C-T. GRCh37 (hg19) VCF-style: chr9-130235784-C-T.
Other names: c.620-296C>T (NM_138361.5, NM_001384142.1, NM_001384143.1 and 2 more transcripts); c.-165-296C>T (NM_001384144.1).
Identifiers: ClinVar variation 669848 (VCV000669848.1), dbSNP rs79075038, ClinGen allele CA15605594.
Genomic context (GRCh38, chr9:127,473,505, plus strand): 5'-GGAAAGCATCTTGCCCAAGGTCTCACATTCAGGGAATTATTGGTAGAGCTGGATCTAGGA[C>T]GCAGGTTTCACTGCTTATCTCAGGCTTTTTCATCACTTCATTCTCACTTGGATGGTAAAG-3'